The following is an entry in ClinVar:

ClinVar aggregate classification (germline): Likely benign (0 of 4 stars; one submission).

Conditions:
CNTNAP5-related disorder. Also called: CNTNAP5-related condition.

Allele frequency attached by ClinVar (database versions not stated): ESP Exome Variant Server 0.00008; ExAC 0.00010; gnomAD 0.00016; TOPMed 0.00016; gnomAD exomes 0.00020.
gnomAD v4.1: 311 of 1,613,592 alleles (0.019%); highest among the groups gnomAD compares: Non-Finnish European, 0.026%; no homozygotes.

Submission:

PreventionGenetics, part of Exact Sciences
Classification: Likely benign for CNTNAP5-related condition. Last evaluated: 2019-06-11. Review status: no assertion criteria provided. Collection method: clinical testing. Allele origin: germline.
Comment: This variant is classified as likely benign based on ACMG/AMP sequence variant interpretation guidelines (Richards et al. 2015 PMID: 25741868, with internal and published modifications).

NM_001367498.1(CNTNAP5):c.1332C>T (p.Ser444=)

Gene: CNTNAP5 (contactin associated protein family member 5; plus strand). Cytogenetic location: 2q14.3.
Variant type: single nucleotide variant.
Coding change: c.1332C>T on transcript NM_001367498.1 (MANE Select); coding-DNA position 1332, C replaced by T.
Protein change: p.Ser444=; no amino-acid change (serine 444 retained).
Molecular consequence: synonymous variant.
Genome position (GRCh38, 1-based): chr2:124,524,307, C>T. VCF-style: chr2-124524307-C-T. GRCh37 (hg19) VCF-style: chr2-125281884-C-T.
Other names: c.1329C>T, p.Ser443= (NM_130773.4).
Identifiers: ClinVar variation 3034427 (VCV003034427.2), dbSNP rs375299973, ClinGen allele CA1855842.